The following is an entry in ClinVar:

ClinVar aggregate classification (germline): Uncertain significance (1 of 4 stars; one submission).

Conditions:
Charcot-Marie-Tooth disease recessive intermediate C. Also called: CHARCOT-MARIE-TOOTH NEUROPATHY, RECESSIVE INTERMEDIATE C. Identifiers: Orphanet 369867, MedGen C3809309, MONDO:0014154, OMIM 615376.
Neuronopathy, distal hereditary motor, autosomal recessive 4. Also called: Autosomal recessive lower motor neuron disease with childhood onset; NEUROPATHY, DISTAL HEREDITARY MOTOR, AUTOSOMAL RECESSIVE 4. Identifiers: Orphanet 206580, MedGen C1970211, MONDO:0012608, OMIM 611067.

Allele frequency attached by ClinVar (database versions not stated): gnomAD exomes below 0.00001; gnomAD 0.00001; TOPMed 0.00001.
gnomAD v4.1: 5 of 1,610,582 alleles (0.00031%); highest among the groups gnomAD compares: Non-Finnish European, 0.00042%; no homozygotes.

Submission:

Labcorp Genetics (formerly Invitae), Labcorp
Classification: Uncertain significance for Neuronopathy, distal hereditary motor, autosomal recessive 4; Charcot-Marie-Tooth disease recessive intermediate C. Last evaluated: 2021-06-16. Review status: criteria provided, single submitter. Criteria: Invitae Variant Classification Sherloc (09022015). Collection method: clinical testing. Allele origin: germline.
Comment: This variant is not present in population databases (ExAC no frequency). This variant has not been reported in the literature in individuals with PLEKHG5-related conditions. Algorithms developed to predict the effect of missense changes on protein structure and function (SIFT, PolyPhen-2, Align-GVGD) all suggest that this variant is likely to be tolerated, but these predictions have not been confirmed by published functional studies and their clinical significance is uncertain. In summary, the available evidence is currently insufficient to determine the role of this variant in disease. Therefore, it has been classified as a Variant of Uncertain Significance. This sequence change replaces lysine with glutamic acid at codon 423 of the PLEKHG5 protein (p.Lys423Glu). The lysine residue is moderately conserved and there is a small physicochemical difference between lysine and glutamic acid.

NM_020631.6(PLEKHG5):c.1267A>G (p.Lys423Glu)

Gene: PLEKHG5 (pleckstrin homology and RhoGEF domain containing G5; minus strand). Cytogenetic location: 1p36.31.
Variant type: single nucleotide variant.
Coding change: c.1267A>G on transcript NM_020631.6 (MANE Select); coding-DNA position 1267, A replaced by G.
Protein change: p.Lys423Glu; replaces lysine 423 with glutamic acid.
Molecular consequence: missense variant.
Genome position (GRCh38, 1-based): chr1:6,471,502, T>C on the plus strand (A>G on the coding strand, the complement: PLEKHG5 is on the minus strand). VCF-style: chr1-6471502-T-C. GRCh37 (hg19) VCF-style: chr1-6531562-T-C.
Other names: c.1267A>G (NM_020631.4); c.1378A>G, p.Lys460Glu (NM_001042663.3, NM_001265592.2); c.1267A>G, p.Lys423Glu (NM_001042664.2, NM_001042665.2, NM_001265594.3 and 1 more transcripts); c.1474A>G, p.Lys492Glu (NM_001265593.2); short protein forms K492E, K423E, K460E.
Identifiers: ClinVar variation 1483037 (VCV001483037.9), dbSNP rs1297083613, ClinGen allele CA338128895.
Genomic context (GRCh38, chr1:6,471,502, plus strand): 5'-CCAGCCCTGCCTCAGTGCCCCCGCCTGCGCCCGGCCCCGCCCGTACCATCTTGAAGCCTT[T>C]GAGGAAGTCCCCGGGCTGTAGCAGCGCTCGCGTGCGCCGCGCCTTCTCCAGCACCGGCGC-3'
Protein context (NP_065682.2, residues 413-433): RALLQPGDFL[Lys423Glu]GFKMFGSLFK